The following is an entry in ClinVar:

ClinVar aggregate classification (germline): Uncertain significance (1 of 4 stars; one submission).

Conditions:
Long QT syndrome (LQTS). Identifiers: MedGen C0023976, MeSH D008133, MONDO:0002442. Disease mechanism: loss of function. Inheritance: Various modes of inheritance.

gnomAD v4.1: 1 of 1,437,444 alleles (0.00007%); no homozygotes.

Submission:

Labcorp Genetics (formerly Invitae), Labcorp
Classification: Uncertain significance for Long QT syndrome. Last evaluated: 2021-12-02. Review status: criteria provided, single submitter. Criteria: Invitae Variant Classification Sherloc (09022015). Collection method: clinical testing. Allele origin: germline.
Comment: In summary, the available evidence is currently insufficient to determine the role of this variant in disease. Therefore, it has been classified as a Variant of Uncertain Significance. Algorithms developed to predict the effect of missense changes on protein structure and function (SIFT, PolyPhen-2, Align-GVGD) all suggest that this variant is likely to be tolerated. This variant has not been reported in the literature in individuals affected with KCNH2-related conditions. This variant is not present in population databases (gnomAD no frequency). This sequence change replaces glycine, which is neutral and non-polar, with cysteine, which is neutral and slightly polar, at codon 187 of the KCNH2 protein (p.Gly187Cys).

NM_000238.4(KCNH2):c.559G>T (p.Gly187Cys)

Gene: KCNH2 (potassium voltage-gated channel subfamily H member 2; minus strand). Cytogenetic location: 7q36.1.
Variant type: single nucleotide variant.
Coding change: c.559G>T on transcript NM_000238.4 (MANE Select); coding-DNA position 559, G replaced by T.
Protein change: p.Gly187Cys; replaces glycine 187 with cysteine.
Molecular consequence: missense variant.
Genome position (GRCh38, 1-based): chr7:150,958,416, C>A on the plus strand (G>T on the coding strand, the complement: KCNH2 is on the minus strand). VCF-style: chr7-150958416-C-A. GRCh37 (hg19) VCF-style: chr7-150655504-C-A.
Other names: c.271G>T, p.Gly91Cys (NM_001406753.1, NM_001406756.1); c.382G>T, p.Gly128Cys (NM_001406755.1); c.259G>T, p.Gly87Cys (NM_001406757.1); c.559G>T, p.Gly187Cys (NM_172056.3); short protein forms G87C, G128C, G91C, G187C.
Identifiers: ClinVar variation 1988055 (VCV001988055.4), dbSNP rs199472867, ClinGen allele CA369863311.
Genomic context (GRCh38, chr7:150,958,416, plus strand): 5'-TGCTGGGTGCCGCGGGCGTCAGGTCCACGTCCACCACCACGGCCCCCGGGGCGCCCGCGC[C>A]GCCCGCGCCGCCCGACCGCACCGACGACTCCCGGGCCGTCAGCGCCAGCAGCGCGGGCAG-3'
Protein context (NP_000229.1, residues 177-197): ESSVRSGGAG[Gly187Cys]AGAPGAVVVD